The following is an entry in ClinVar:

NM_005055.5(RAPSN):c.1029_1045del (p.Glu344fs)

Gene: RAPSN (receptor associated protein of the synapse; minus strand). Cytogenetic location: 11p11.2.
Variant type: Deletion.
Coding change: c.1029_1045del on transcript NM_005055.5 (MANE Select); coding-DNA positions 1029 to 1045, 17 bases deleted (GGAACTGCGGGCGCACG).
Protein change: p.Glu344fs; shifts the reading frame from glutamic acid 344.
Molecular consequence: frameshift variant.
Genome position (GRCh38, 1-based): chr11:47,438,853-47,438,869, CGTGCGCCCGCAGTTCC deleted on the plus strand (GGAACTGCGGGCGCACG on the coding strand, the reverse complement: RAPSN is on the minus strand); deleting any 17 consecutive bases within chr11:47,438,853-47,438,871 gives the same sequence; the c. name uses the placement nearest the transcript's 3' end. VCF-style (leftmost placement, unchanged base first): chr11-47438852-ACGTGCGCCCGCAGTTCC-A. GRCh37 (hg19) VCF-style: chr11-47460403-ACGTGCGCCCGCAGTTCC-A.
Other names: c.852_868del, p.Glu285fs (NM_032645.5); short protein forms E285fs, E344fs.
Identifiers: ClinVar variation 632161 (VCV000632161.15), dbSNP rs765096923, ClinGen allele CA5976517.
Genomic context (GRCh38, chr11:47,438,852, plus strand): 5'-GACTCGCCGCACAGGCCGCAGTAGAGCTCCGTCTCCTCCACGCACTCGTGGAACCTCACA[ACGTGCGCCCGCAGTTCC>A]CGCTGCAGCCCTTTGCTGCGGTAAATGCTCTCGCTCAGACAGTGCAGCTTGAGCTGGCTC-3'

ClinVar aggregate classification (germline): Pathogenic. Review status: criteria provided, multiple submitters, no conflicts (2 of 4 stars). 2 submissions from 2 submitters: Pathogenic (2). Last evaluated 2023-12-29.

Conditions:
Fetal akinesia deformation sequence 2. Identifiers: MedGen C4760576, MONDO:0100102, OMIM 618388.
Fetal akinesia deformation sequence 1 (FADS1). Also called: Pena-Shokeir syndrome type I; Fetal akinesia sequence. Identifiers: Orphanet 994, MedGen C1276035, MONDO:0100101, OMIM 208150, HP:0001989.
Congenital myasthenic syndrome 11. Also called: Myasthenic syndrome, congenital, 11, associated with acetylcholine receptor deficiency; MYASTHENIC SYNDROME, CONGENITAL, Ie. Identifiers: Orphanet 590, MedGen C4225367, MONDO:0014588, OMIM 616326.

Submissions (2):

Baylor Genetics
Classification: Pathogenic for Fetal akinesia deformation sequence 2. Last evaluated: 2023-12-29. Review status: criteria provided, single submitter. Criteria: ACMG Guidelines, 2015. Collection method: clinical testing. Allele origin: unknown.

Labcorp Genetics (formerly Invitae), Labcorp
Classification: Pathogenic for Congenital myasthenic syndrome 11; Fetal akinesia deformation sequence 1. Last evaluated: 2023-07-24. Review status: criteria provided, single submitter. Criteria: Invitae Variant Classification Sherloc (09022015). Collection method: clinical testing. Allele origin: germline.
Comment: This sequence change results in a frameshift in the RAPSN gene (p.Glu344Cysfs*127). While this is not anticipated to result in nonsense mediated decay, it is expected to disrupt the last 69 amino acid(s) of the RAPSN protein and extend the protein by 57 additional amino acid residues. For these reasons, this variant has been classified as Pathogenic. This variant disrupts a region of the RAPSN protein in which other variant(s) (p.Cys355*) have been determined to be pathogenic (Invitae). This suggests that this is a clinically significant region of the protein, and that variants that disrupt it are likely to be disease-causing. ClinVar contains an entry for this variant (Variation ID: 632161). This variant has not been reported in the literature in individuals affected with RAPSN-related conditions. This variant is present in population databases (rs765096923, gnomAD 0.01%).